The following is an entry in ClinVar:

ClinVar aggregate classification (germline): Uncertain significance (1 of 4 stars; one submission).

Conditions:
Capillary malformation-arteriovenous malformation syndrome. Also called: Capillary malformation-arteriovenous malformation. Identifiers: Orphanet 137667, MedGen C1842180, MONDO:0012016.

Allele frequency attached by ClinVar (database versions not stated): gnomAD exomes 0.00001 and below 0.00001; TOPMed below 0.00001; ExAC 0.00001.
gnomAD v4.1: 6 of 1,611,916 alleles (0.00037%); highest among the groups gnomAD compares: East Asian, 0.0022%; no homozygotes.

Submission:

Labcorp Genetics (formerly Invitae), Labcorp
Classification: Uncertain significance for Capillary malformation-arteriovenous malformation syndrome. Last evaluated: 2024-06-25. Review status: criteria provided, single submitter. Criteria: Invitae Variant Classification Sherloc (09022015). Collection method: clinical testing. Allele origin: germline.
Comment: This sequence change replaces valine, which is neutral and non-polar, with methionine, which is neutral and non-polar, at codon 376 of the RASA1 protein (p.Val376Met). This variant is present in population databases (rs749102561, gnomAD 0.002%). This variant has not been reported in the literature in individuals affected with RASA1-related conditions. ClinVar contains an entry for this variant (Variation ID: 1388865). An algorithm developed to predict the effect of missense changes on protein structure and function (PolyPhen-2) suggests that this variant is likely to be disruptive. In summary, the available evidence is currently insufficient to determine the role of this variant in disease. Therefore, it has been classified as a Variant of Uncertain Significance.

NM_002890.3(RASA1):c.1126G>A (p.Val376Met)

Genes: CCNH (cyclin H; minus strand), RASA1 (RAS p21 protein activator 1; plus strand). Cytogenetic location: 5q14.3.
Variant type: single nucleotide variant.
Coding change: c.1126G>A on transcript NM_002890.3 (MANE Select); coding-DNA position 1126, G replaced by A.
Protein change: p.Val376Met; replaces valine 376 with methionine.
Molecular consequence: missense variant. On other transcripts: intron variant (1).
Genome position (GRCh38, 1-based): chr5:87,349,237, G>A. VCF-style: chr5-87349237-G-A. GRCh37 (hg19) VCF-style: chr5-86645054-G-A.
Other names: c.595G>A, p.Val199Met (NM_022650.3); c.934-36442C>T (NM_001364075.2); short protein forms V376M, V199M.
Identifiers: ClinVar variation 1388865 (VCV001388865.6), dbSNP rs749102561, ClinGen allele CA3335667.